The following is an entry in ClinVar:

ClinVar aggregate classification (germline): Conflicting classifications of pathogenicity. Review status: criteria provided, conflicting classifications (1 of 4 stars). 3 submissions from 3 submitters: Uncertain significance (1); Likely benign (1). 1 of the submissions does not count toward it. Last evaluated 2024-10-23.

Conditions:
Microcephalic osteodysplastic primordial dwarfism type II (MOPD2). Also called: Microcephalic osteodysplastic primordial dwarfism with tooth abnormalities; MOPD II; OSTEODYSPLASTIC PRIMORDIAL DWARFISM, TYPE II. Identifiers: Orphanet 2637, MedGen C0432246, MONDO:0008872, OMIM 210720.
PCNT-related disorder. Also called: PCNT-related condition.

Allele frequency attached by ClinVar (database versions not stated): gnomAD exomes below 0.00001 and 0.00001; gnomAD 0.00003; TOPMed 0.00004; ESP Exome Variant Server 0.00008.

Submissions (3):

ARUP Laboratories, Molecular Genetics and Genomics, ARUP Laboratories
Classification: Likely benign for Microcephalic osteodysplastic primordial dwarfism type II. Last evaluated: 2024-10-23. Review status: criteria provided, single submitter. Criteria: ARUP Molecular Germline Variant Investigation Process 2024. Collection method: clinical testing. Allele origin: germline.

Illumina Laboratory Services, Illumina
Classification: Uncertain significance for Microcephalic osteodysplastic primordial dwarfism type II. Last evaluated: 2018-01-13. Review status: criteria provided, single submitter. Criteria: ICSL Variant Classification Criteria 13 December 2019. Collection method: clinical testing. Allele origin: germline.

PreventionGenetics, part of Exact Sciences
Classification: Uncertain significance for PCNT-related condition. Last evaluated: 2024-06-06. Review status: no assertion criteria provided. Collection method: clinical testing. Allele origin: germline. Not counted in ClinVar's aggregate classification.
Comment: The PCNT c.7061G>T variant is predicted to result in the amino acid substitution p.Gly2354Val. To our knowledge, this variant has not been reported in the literature. This variant is reported in 0.0062% of alleles in individuals of African descent in gnomAD. At this time, the clinical significance of this variant is uncertain due to the absence of conclusive functional and genetic evidence.

NM_006031.6(PCNT):c.7061G>T (p.Gly2354Val)

Gene: PCNT (pericentrin; plus strand). Cytogenetic location: 21q22.3.
Variant type: single nucleotide variant.
Coding change: c.7061G>T on transcript NM_006031.6 (MANE Select); coding-DNA position 7061, G replaced by T.
Protein change: p.Gly2354Val; replaces glycine 2354 with valine.
Molecular consequence: missense variant.
Genome position (GRCh38, 1-based): chr21:46,422,006, G>T. VCF-style: chr21-46422006-G-T. GRCh37 (hg19) VCF-style: chr21-47841920-G-T.
Other names: c.6707G>T, p.Gly2236Val (NM_001315529.2); short protein forms G2354V, G2236V.
Identifiers: ClinVar variation 340526 (VCV000340526.7), dbSNP rs144775948, ClinGen allele CA10644941.